The following is an entry in ClinVar:

Conditions:
Long QT syndrome 5 (LQT5). Identifiers: Orphanet 101016, Orphanet 768, MedGen C1867904, MONDO:0013372, OMIM 613695.

Submission:

Roden Lab, Vanderbilt University Medical Center
No classification provided (evidence only). Condition: Long QT syndrome 5. Review status: no classification provided. Collection method: in vitro. Allele origin: not applicable. Functional consequence: Effect on ion channel function.
ClinVar note: "not provided" was previously submitted as the classification for the variant. However, the classification appeared to be based only on an observation of functional data so it was converted to no classification on 2025-07-30.

NM_000219.6(KCNE1):c.187C>A (p.Leu63Met)

Gene: KCNE1 (potassium voltage-gated channel subfamily E regulatory subunit 1; minus strand). Cytogenetic location: 21q22.12.
Variant type: single nucleotide variant.
Coding change: c.187C>A on transcript NM_000219.6 (MANE Select); coding-DNA position 187, C replaced by A.
Protein change: p.Leu63Met; replaces leucine 63 with methionine.
Molecular consequence: missense variant.
Genome position (GRCh38, 1-based): chr21:34,449,448, G>T on the plus strand (C>A on the coding strand, the complement: KCNE1 is on the minus strand). VCF-style: chr21-34449448-G-T. GRCh37 (hg19) VCF-style: chr21-35821746-G-T.
Other names: c.187C>A, p.Leu63Met (NM_001127668.4, NM_001127669.4, NM_001127670.4 and 4 more transcripts); short protein forms L63M.
Identifiers: ClinVar variation 3374277 (VCV003374277.2).